The following is an entry in ClinVar:

ClinVar aggregate classification (germline): Pathogenic. Review status: criteria provided, multiple submitters, no conflicts (2 of 4 stars). 2 submissions from 2 submitters: Pathogenic (2). Last evaluated 2026-02-22.

Conditions:
Primary ciliary dyskinesia. Also called: Ciliary dyskinesia. Identifiers: Orphanet 244, MedGen C0008780, MONDO:0016575, HP:0012265.
Primary ciliary dyskinesia 3. Identifiers: Orphanet 244, MedGen C1837618, MONDO:0012085, OMIM 608644.

Submissions (2):

Myriad Genetics, Inc.
Classification: Pathogenic for Primary ciliary dyskinesia 3. Last evaluated: 2026-02-22. Review status: criteria provided, single submitter. Criteria: Myriad Autosomal Dominant, Autosomal Recessive and X-Linked Classification Criteria (2023). Collection method: clinical testing. Allele origin: unknown.
Comment: NM_001369.2(DNAH5):c.8465G>A(W2822*) is expected to be pathogenic in the context of primary ciliary dyskinesia, DNAH5-related. This variant is predicted to lead to an abnormal or absent protein product due to the creation of a premature termination codon in DNAH5, a gene where loss-of-function variants are known to be pathogenic. Please note: this variant was assessed in the context of healthy population screening.

Labcorp Genetics (formerly Invitae), Labcorp
Classification: Pathogenic for Primary ciliary dyskinesia. Last evaluated: 2022-08-23. Review status: criteria provided, single submitter. Criteria: Invitae Variant Classification Sherloc (09022015). Collection method: clinical testing. Allele origin: germline.
Comment: ClinVar contains an entry for this variant (Variation ID: 407212). This sequence change creates a premature translational stop signal (p.Trp2822*) in the DNAH5 gene. It is expected to result in an absent or disrupted protein product. Loss-of-function variants in DNAH5 are known to be pathogenic (PMID: 11788826, 16627867). This variant is not present in population databases (gnomAD no frequency). This variant has not been reported in the literature in individuals affected with DNAH5-related conditions. For these reasons, this variant has been classified as Pathogenic.

Literature cited by the submitters: PubMed 11788826 (cited by Labcorp Genetics (formerly Invitae), Labcorp); PubMed 16627867 (cited by Labcorp Genetics (formerly Invitae), Labcorp).

NM_001369.3(DNAH5):c.8465G>A (p.Trp2822Ter)

Gene: DNAH5 (dynein axonemal heavy chain 5; minus strand). Cytogenetic location: 5p15.2.
Variant type: single nucleotide variant.
Coding change: c.8465G>A on transcript NM_001369.3 (MANE Select); coding-DNA position 8465, G replaced by A.
Protein change: p.Trp2822Ter; replaces tryptophan 2822 with a stop codon.
Molecular consequence: nonsense.
Genome position (GRCh38, 1-based): chr5:13,788,898, C>T on the plus strand (G>A on the coding strand, the complement: DNAH5 is on the minus strand). VCF-style: chr5-13788898-C-T. GRCh37 (hg19) VCF-style: chr5-13789007-C-T.
Other names: short protein forms W2822*.
Identifiers: ClinVar variation 407212 (VCV000407212.8), dbSNP rs1060501455, ClinGen allele CA16611868.